The following is an entry in ClinVar:

NM_201384.3(PLEC):c.7286C>T (p.Thr2429Ile)

Gene: PLEC (plectin; minus strand). Cytogenetic location: 8q24.3.
Variant type: single nucleotide variant.
Coding change: c.7286C>T on transcript NM_201384.3 (MANE Select); coding-DNA position 7286, C replaced by T.
Protein change: p.Thr2429Ile; replaces threonine 2429 with isoleucine.
Molecular consequence: missense variant. On other transcripts: intron variant (1).
Genome position (GRCh38, 1-based): chr8:143,922,643, G>A on the plus strand (C>T on the coding strand, the complement: PLEC is on the minus strand). VCF-style: chr8-143922643-G-A. GRCh37 (hg19) VCF-style: chr8-144996811-G-A.
Other names: c.4126-248C>T (NM_001410941.1); c.7367C>T, p.Thr2456Ile (NM_000445.5); c.7244C>T, p.Thr2415Ile (NM_201378.4); c.7220C>T, p.Thr2407Ile (NM_201379.3); c.7697C>T, p.Thr2566Ile (NM_201380.4); c.7190C>T, p.Thr2397Ile (NM_201381.3); c.7286C>T, p.Thr2429Ile (NM_201382.4); c.7298C>T, p.Thr2433Ile (NM_201383.3); short protein forms T2566I, T2407I, T2415I, T2433I, T2397I, T2429I, T2456I.
Identifiers: ClinVar variation 2929913 (VCV002929913.3), dbSNP rs1823252003, ClinGen allele CA372528244.

ClinVar aggregate classification (germline): Uncertain significance (1 of 4 stars; one submission).

Conditions:
Epidermolysis bullosa simplex with nail dystrophy (EBS5D). Identifiers: MedGen C4225309, MONDO:0014661, OMIM 616487.
Epidermolysis bullosa simplex 5B, with muscular dystrophy (EBS5B). Also called: EPIDERMOLYSIS BULLOSA SIMPLEX AND LIMB-GIRDLE MUSCULAR DYSTROPHY; Epidermolysis bullosa simplex with muscular dystrophy. Identifiers: Orphanet 257, MedGen C2931072, MONDO:0009181, OMIM 226670.
Epidermolysis bullosa simplex 5C, with pyloric atresia (EBS5C). Also called: PLEC-Related Epidermolysis Bullosa with Pyloric Atresia; Epidermolysis bullosa simplex with pyloric atresia; PLEC1-Related Epidermolysis Bullosa with Pyloric Atresia. Identifiers: Orphanet 158684, MedGen C2677349, MONDO:0012807, OMIM 612138.
Autosomal recessive limb-girdle muscular dystrophy type 2Q (LGMDR17). Also called: MUSCULAR DYSTROPHY, LIMB-GIRDLE, AUTOSOMAL RECESSIVE 17. Identifiers: Orphanet 254361, MedGen C3150989, MONDO:0013390, OMIM 613723.
Epidermolysis bullosa simplex, Ogna type (EBS5A). Also called: Pidermolysis bullosa simplex 5A, Ogna type; EPIDERMOLYSIS BULLOSA SIMPLEX 5A, OGNA TYPE. Identifiers: Orphanet 79401, MedGen C0432317, MONDO:0007555, OMIM 131950.

gnomAD v4.1: 7 of 1,613,544 alleles (0.00043%); highest among the groups gnomAD compares: Non-Finnish European, 0.00051%; no homozygotes.

Submission:

Labcorp Genetics (formerly Invitae), Labcorp
Classification: Uncertain significance for Autosomal recessive limb-girdle muscular dystrophy type 2Q; Epidermolysis bullosa simplex, Ogna type; Epidermolysis bullosa simplex with nail dystrophy; Epidermolysis bullosa simplex 5C, with pyloric atresia; Epidermolysis bullosa simplex 5B, with muscular dystrophy. Last evaluated: 2023-11-24. Review status: criteria provided, single submitter. Criteria: Invitae Variant Classification Sherloc (09022015). Collection method: clinical testing. Allele origin: germline.
Comment: This sequence change replaces threonine, which is neutral and polar, with isoleucine, which is neutral and non-polar, at codon 2456 of the PLEC protein (p.Thr2456Ile). This variant is not present in population databases (gnomAD no frequency). This variant has not been reported in the literature in individuals affected with PLEC-related conditions. An algorithm developed to predict the effect of missense changes on protein structure and function (PolyPhen-2) suggests that this variant is likely to be disruptive. In summary, the available evidence is currently insufficient to determine the role of this variant in disease. Therefore, it has been classified as a Variant of Uncertain Significance.